The following is an entry in ClinVar:

NM_003072.5(SMARCA4):c.494del (p.Gln165fs)

Gene: SMARCA4 (SWI/SNF related BAF chromatin remodeling complex subunit ATPase 4; plus strand). Cytogenetic location: 19p13.2.
Variant type: Deletion.
Coding change: c.494del on transcript NM_003072.5 (MANE Select); coding-DNA position 494, one base deleted (A; older notation c.494delA).
Protein change: p.Gln165fs; shifts the reading frame from glutamine 165.
Molecular consequence: frameshift variant. On other transcripts: non-coding transcript variant (1).
Genome position (GRCh38, 1-based): chr19:10,986,327, A deleted. VCF-style (leftmost placement, unchanged base first): chr19-10986326-CA-C. GRCh37 (hg19) VCF-style: chr19-11097002-CA-C.
Other names: c.494del, p.Gln165fs (NM_001387283.1, NM_001411150.1, NM_001128844.3 and 6 more transcripts); short protein forms Q165fs.
Identifiers: ClinVar variation 3655826 (VCV003655826.2).
Genomic context (GRCh38, chr19:10,986,326, plus strand): 5'-ATGTCTTCCGGGCCAGGAGGTGCCCCGCTGGATGGTGCTGACCCCCAGGCCTTGGGGCAG[CA>C]GAACCGGGGCCCAACCCCATTTAACCAGAACCAGCTGCACCAGCTCAGAGCTCAGATCAT-3'

ClinVar aggregate classification (germline): Pathogenic (1 of 4 stars; one submission).

Conditions:
Rhabdoid tumor predisposition syndrome 2 (RTPS2). Identifiers: Orphanet 231108, Orphanet 69077, MedGen C2750074, MONDO:0013224, OMIM 613325.

Submission:

Labcorp Genetics (formerly Invitae), Labcorp
Classification: Pathogenic for Rhabdoid tumor predisposition syndrome 2. Last evaluated: 2024-06-07. Review status: criteria provided, single submitter. Criteria: Invitae Variant Classification Sherloc (09022015). Collection method: clinical testing. Allele origin: germline.
Comment: This sequence change creates a premature translational stop signal (p.Gln165Argfs*138) in the SMARCA4 gene. It is expected to result in an absent or disrupted protein product. Loss-of-function variants in SMARCA4 are known to be pathogenic (PMID: 24658001, 24658002). This variant is not present in population databases (gnomAD no frequency). This variant has not been reported in the literature in individuals affected with SMARCA4-related conditions. For these reasons, this variant has been classified as Pathogenic.

Literature cited by the submitters: PubMed 24658001; PubMed 24658002.